The following is an entry in ClinVar:

ClinVar aggregate classification (germline): Uncertain significance (1 of 4 stars; one submission).

Submission:

Labcorp Genetics (formerly Invitae), Labcorp
Classification: Uncertain significance. Last evaluated: 2021-04-27. Review status: criteria provided, single submitter. Criteria: Invitae Variant Classification Sherloc (09022015). Collection method: clinical testing. Allele origin: germline.
Comment: In summary, the available evidence is currently insufficient to determine the role of this variant in disease. Therefore, it has been classified as a Variant of Uncertain Significance. Advanced modeling of protein sequence and biophysical properties (such as structural, functional, and spatial information, amino acid conservation, physicochemical variation, residue mobility, and thermodynamic stability) performed at Invitae indicates that this missense variant is not expected to disrupt PNPT1 protein function. This variant has not been reported in the literature in individuals with PNPT1-related conditions. This variant is not present in population databases (ExAC no frequency). This sequence change replaces leucine with histidine at codon 22 of the PNPT1 protein (p.Leu22His). The leucine residue is weakly conserved and there is a moderate physicochemical difference between leucine and histidine.

NM_033109.5(PNPT1):c.65T>A (p.Leu22His)

Genes: PNPT1 (polyribonucleotide nucleotidyltransferase 1; minus strand), LOC129933770 (ATAC-STARR-seq lymphoblastoid active region 15785; plus strand). Cytogenetic location: 2p16.1.
Variant type: single nucleotide variant.
Coding change: c.65T>A on transcript NM_033109.5 (MANE Select); coding-DNA position 65, T replaced by A.
Protein change: p.Leu22His; replaces leucine 22 with histidine.
Molecular consequence: missense variant.
Genome position (GRCh38, 1-based): chr2:55,693,759, A>T on the plus strand (T>A on the coding strand, the complement: PNPT1 is on the minus strand). VCF-style: chr2-55693759-A-T. GRCh37 (hg19) VCF-style: chr2-55920894-A-T.
Other names: short protein forms L22H.
Identifiers: ClinVar variation 1391287 (VCV001391287.8), dbSNP rs2104206996, ClinGen allele CA346946471.